The following is an entry in ClinVar:

ClinVar aggregate classification (germline): Uncertain significance. Review status: criteria provided, multiple submitters, no conflicts (2 of 4 stars). 2 submissions from 2 submitters: Uncertain significance (2). Last evaluated 2025-01-08.

Allele frequency attached by ClinVar (database versions not stated): ExAC 0.00001; gnomAD 0.00001; gnomAD exomes 0.00001; TOPMed 0.00001.
gnomAD v4.1: 21 of 1,571,416 alleles (0.0013%); highest among the groups gnomAD compares: Non-Finnish European, 0.0015%; no homozygotes.

Submissions (2):

Labcorp Genetics (formerly Invitae), Labcorp
Classification: Uncertain significance. Last evaluated: 2025-01-08. Review status: criteria provided, single submitter. Criteria: Invitae Variant Classification Sherloc (09022015). Collection method: clinical testing. Allele origin: germline.
Comment: This sequence change replaces isoleucine, which is neutral and non-polar, with threonine, which is neutral and polar, at codon 200 of the EIF2AK1 protein (p.Ile200Thr). This variant is present in population databases (rs766176042, gnomAD 0.004%). This variant has not been reported in the literature in individuals affected with EIF2AK1-related conditions. ClinVar contains an entry for this variant (Variation ID: 2398218). An algorithm developed to predict the effect of missense changes on protein structure and function (PolyPhen-2) suggests that this variant is likely to be disruptive. In summary, the available evidence is currently insufficient to determine the role of this variant in disease. Therefore, it has been classified as a Variant of Uncertain Significance.

Ambry Genetics
Classification: Uncertain significance. Last evaluated: 2022-08-30. Review status: criteria provided, single submitter. Criteria: Ambry Variant Classification Scheme 2023. Collection method: clinical testing. Allele origin: germline.

NM_014413.4(EIF2AK1):c.599T>C (p.Ile200Thr)

Gene: EIF2AK1 (eukaryotic translation initiation factor 2 alpha kinase 1; minus strand). Cytogenetic location: 7p22.1.
Variant type: single nucleotide variant.
Coding change: c.599T>C on transcript NM_014413.4 (MANE Select); coding-DNA position 599, T replaced by C.
Protein change: p.Ile200Thr; replaces isoleucine 200 with threonine.
Molecular consequence: missense variant.
Genome position (GRCh38, 1-based): chr7:6,046,102, A>G on the plus strand (T>C on the coding strand, the complement: EIF2AK1 is on the minus strand). VCF-style: chr7-6046102-A-G. GRCh37 (hg19) VCF-style: chr7-6085733-A-G.
Other names: c.599T>C, p.Ile200Thr (NM_001134335.2); short protein forms I200T.
Identifiers: ClinVar variation 2398218 (VCV002398218.4), dbSNP rs766176042, ClinGen allele CA4151133.